The following is an entry in ClinVar:

NM_001378615.1(CC2D2A):c.1116C>A (p.Ser372Arg)

Genes: CC2D2A (coiled-coil and C2 domain containing 2A; plus strand), FBXL5 (F-box and leucine rich repeat protein 5; minus strand). Cytogenetic location: 4p15.32.
Variant type: single nucleotide variant.
Coding change: c.1116C>A on transcript NM_001378615.1 (MANE Select); coding-DNA position 1116, C replaced by A.
Protein change: p.Ser372Arg; replaces serine 372 with arginine.
Molecular consequence: missense variant.
Genome position (GRCh38, 1-based): chr4:15,516,723, C>A. VCF-style: chr4-15516723-C-A. GRCh37 (hg19) VCF-style: chr4-15518346-C-A.
Other names: c.1116C>A, p.Ser372Arg (NM_001080522.2); c.969C>A, p.Ser323Arg (NM_001378617.1); short protein forms S372R, S323R.
Identifiers: ClinVar variation 194018 (VCV000194018.20), dbSNP rs760839591, ClinGen allele CA239791.

ClinVar aggregate classification (germline): Conflicting classifications of pathogenicity. Review status: criteria provided, conflicting classifications (1 of 4 stars). 6 submissions from 6 submitters: Uncertain significance (3); Likely benign (3). Last evaluated 2026-05-26.

Conditions:
CC2D2A-related disorder. Also called: CC2D2A-related disorders; CC2D2A-related condition. Identifiers: MedGen CN239313.
Inborn genetic diseases. Identifiers: MedGen C0950123, MeSH D030342.
Meckel-Gruber syndrome. Also called: DYSENCEPHALIA SPLANCHNOCYSTICA; GRUBER SYNDROME; Dysencephalia splachnocystica. Identifiers: Orphanet 564, MedGen C0265215, MONDO:0018921.
Joubert syndrome. Also called: Familial aplasia of the vermis; JOUBERT-BOLTSHAUSER SYNDROME. Identifiers: Orphanet 475, MedGen C5979921, MONDO:0018772.

Allele frequency attached by ClinVar (database versions not stated): gnomAD 0.00003 and 0.00004; gnomAD exomes 0.00007 and 0.00016; TOPMed 0.00012; ExAC 0.00015.

Submissions (6):

PreventionGenetics, part of Exact Sciences
Classification: Uncertain significance for CC2D2A-related condition. Last evaluated: 2026-05-26. Review status: criteria provided, single submitter. Criteria: ACMG Guidelines, 2015. Collection method: clinical testing. Allele origin: germline.
Comment: The CC2D2A c.1116C>A variant is predicted to result in the amino acid substitution p.Ser372Arg. To our knowledge, this variant has not been reported in the literature. This variant is reported in 0.11% of alleles in individuals of Latino descent in gnomAD. Although we suspect that this variant may be benign, at this time, the clinical significance of this variant is uncertain due to the absence of conclusive functional and genetic evidence.

Labcorp Genetics (formerly Invitae), Labcorp
Classification: Likely benign for Joubert syndrome; Meckel-Gruber syndrome. Last evaluated: 2026-02-01. Review status: criteria provided, single submitter. Criteria: Invitae Variant Classification Sherloc (09022015). Collection method: clinical testing. Allele origin: germline.

Blueprint Genetics
Classification: Likely benign. Last evaluated: 2021-11-25. Review status: criteria provided, single submitter. Criteria: ACMG Guidelines, 2015. Collection method: clinical testing. Allele origin: germline.

Ambry Genetics
Classification: Uncertain significance for Inborn genetic diseases. Last evaluated: 2021-08-23. Review status: criteria provided, single submitter. Criteria: Ambry Variant Classification Scheme 2023. Collection method: clinical testing. Allele origin: germline.

GeneDx
Classification: Likely benign. Last evaluated: 2021-04-16. Review status: criteria provided, single submitter. Criteria: GeneDx Variant Classification Process June 2021. Collection method: clinical testing. Allele origin: germline. Affected: yes.

Eurofins Ntd Llc (ga)
Classification: Uncertain significance. Last evaluated: 2014-12-09. Review status: criteria provided, single submitter. Criteria: EGL Classification Definitions 2015. Collection method: clinical testing. Allele origin: germline. Observed: 1 variant allele, 1 heterozygote.